The following is an entry in ClinVar:

NM_182961.4(SYNE1):c.5690T>G (p.Met1897Arg)

Gene: SYNE1 (spectrin repeat containing nuclear envelope protein 1; minus strand). Cytogenetic location: 6q25.2.
Variant type: single nucleotide variant.
Coding change: c.5690T>G on transcript NM_182961.4 (MANE Select); coding-DNA position 5690, T replaced by G.
Protein change: p.Met1897Arg; replaces methionine 1897 with arginine.
Molecular consequence: missense variant.
Genome position (GRCh38, 1-based): chr6:152,416,747, A>C on the plus strand (T>G on the coding strand, the complement: SYNE1 is on the minus strand). VCF-style: chr6-152416747-A-C. GRCh37 (hg19) VCF-style: chr6-152737882-A-C.
Other names: c.5711T>G, p.Met1904Arg (NM_033071.5); short protein forms M1904R, M1897R.
Identifiers: ClinVar variation 3571774 (VCV003571774.1).

ClinVar aggregate classification (germline): Uncertain significance (1 of 4 stars; one submission).

Submission:

Athena Diagnostics
Classification: Uncertain significance. Last evaluated: 2024-02-23. Review status: criteria provided, single submitter. Criteria: Athena Diagnostics Criteria. Collection method: clinical testing. Allele origin: unknown.
Comment: Available data are insufficient to determine the clinical significance of the variant at this time. This variant has not been reported in large, multi-ethnic general populations. Computational tools predict that this variant is not damaging.